The following is an entry in ClinVar:

ClinVar aggregate classification (germline): Likely pathogenic (1 of 4 stars; one submission).

Conditions:
Cystic fibrosis (CF). Also called: MUCOVISCIDOSIS. Identifiers: Orphanet 586, MedGen C0010674, MONDO:0009061, OMIM 219700. Disease mechanism: loss of function.

Submission:

Myriad Genetics, Inc.
Classification: Likely pathogenic for Cystic fibrosis. Last evaluated: 2022-04-29. Review status: criteria provided, single submitter. Criteria: Myriad Women's Health Autosomal Recessive and X-Linked Classification Criteria (2021). Collection method: clinical testing. Allele origin: unknown.
Comment: NM_000492.3(CFTR):c.1171G>T(E391*) is expected to be pathogenic in the context of cystic fibrosis. This variant is predicted to lead to an abnormal or absent protein product due to the creation of a premature termination codon in CFTR, a gene where loss-of-function variants are known to be pathogenic. Please note: this variant was assessed in the context of healthy population screening.

NM_000492.4(CFTR):c.1171G>T (p.Glu391Ter)

Genes: CFTR (CF transmembrane conductance regulator; plus strand), CFTR-AS1 (CFTR antisense RNA 1; minus strand). Cytogenetic location: 7q31.2.
Variant type: single nucleotide variant.
Coding change: c.1171G>T on transcript NM_000492.4 (MANE Select); coding-DNA position 1171, G replaced by T.
Protein change: p.Glu391Ter; replaces glutamic acid 391 with a stop codon.
Molecular consequence: nonsense.
Genome position (GRCh38, 1-based): chr7:117,542,070, G>T. VCF-style: chr7-117542070-G-T. GRCh37 (hg19) VCF-style: chr7-117182124-G-T.
Other names: short protein forms E391*.
Identifiers: ClinVar variation 1725985 (VCV001725985.2), dbSNP rs2485030412, ClinGen allele CA368980113.